The following is an entry in ClinVar:

NM_005223.4(DNASE1):c.830T>C (p.Val277Ala)

Gene: DNASE1 (deoxyribonuclease 1; plus strand). Cytogenetic location: 16p13.3.
Variant type: single nucleotide variant.
Coding change: c.830T>C on transcript NM_005223.4 (MANE Select); coding-DNA position 830, T replaced by C.
Protein change: p.Val277Ala; replaces valine 277 with alanine.
Molecular consequence: missense variant. On other transcripts: non-coding transcript variant (2), intron variant (1).
Genome position (GRCh38, 1-based): chr16:3,657,934, T>C. VCF-style: chr16-3657934-T-C. GRCh37 (hg19) VCF-style: chr16-3707935-T-C.
Other names: c.830T>C, p.Val277Ala (NM_001351825.2, NM_001387135.1); c.899T>C, p.Val300Ala (NM_001387139.1); c.623T>C, p.Val208Ala (NM_001387141.1); c.*21+67T>C (NM_001387140.1); short protein forms V208A, V277A, V300A.
Identifiers: ClinVar variation 3391314 (VCV003391314.1).

ClinVar aggregate classification (germline): Uncertain significance (1 of 4 stars; one submission).

Conditions:
Systemic lupus erythematosus (SLE). Identifiers: Orphanet 536, MedGen C0024141, MONDO:0007915, OMIM 152700, HP:0002725.

Submission:

Neuberg Centre For Genomic Medicine, NCGM
Classification: Uncertain significance for Systemic lupus erythematosus. Review status: criteria provided, single submitter. Criteria: ACMG Guidelines, 2015. Collection method: clinical testing. Allele origin: germline. Inheritance: Autosomal dominant inheritance. Affected: yes.
Comment: The observed missense c.830T>C p.Val277Ala variant in DNASE1 gene has not been reported previously as a pathogenic variant nor as a benign variant, to our knowledge. The p.Val277Ala variant is absent in gnomAD Exomes. This variant has not been submittedd to the ClinVar database. Multiple lines of computational evidence Polyphen - Probably Damaging, SIFT - Damaging and MutationTaster - Disease causing predict a damaging effect on protein structure and function for this variant. The reference amino acid of p.Val277Ala in DNASE1 is predicted as conserved by GERP++ and PhyloP across 100 vertebrates. The amino acid Val at position 277 is changed to a Ala changing protein sequence and it might alter its composition and physico-chemical properties. For these reasons, this variant has been classified as a Variant of Uncertain Significance VUS.